The following is an entry in ClinVar:

ClinVar aggregate classification (germline): Uncertain significance (1 of 4 stars; one submission).

Conditions:
Classic or attenuated familial adenomatous polyposis. Identifiers: MedGen CN372698, MONDO:0021057.

Submission:

All of Us Research Program, National Institutes of Health
Classification: Uncertain significance for Classic or attenuated familial adenomatous polyposis. Last evaluated: 2023-10-02. Review status: criteria provided, single submitter. Criteria: ACMG Guidelines, 2015. Collection method: clinical testing. Allele origin: germline. Inheritance: Autosomal dominant inheritance. Observed: 1 variant allele, 1 heterozygote.
Comment: This missense variant replaces cysteine with tyrosine at codon 344 of the APC protein. Computational prediction suggests that this variant may have deleterious impact on protein structure and function (internally defined REVEL score threshold >= 0.7, PMID: 27666373). To our knowledge, functional studies have not been reported for this variant. This variant has not been reported in individuals affected with APC-related disorders in the literature. This variant has not been identified in the general population by the Genome Aggregation Database (gnomAD). The available evidence is insufficient to determine the role of this variant in disease conclusively. Therefore, this variant is classified as a Variant of Uncertain Significance.

This study involves interpretation of variants in research participants for the purpose of population health screening. Participant phenotype was not available at the time of variant classification. Additional details can be found in publication PMID: 35346344, PMCID: PMC8962531

NM_000038.6(APC):c.1031G>A (p.Cys344Tyr)

Gene: APC (APC regulator of WNT signaling pathway; plus strand). Cytogenetic location: 5q22.2.
Variant type: single nucleotide variant.
Coding change: c.1031G>A on transcript NM_000038.6 (MANE Select); coding-DNA position 1031, G replaced by A.
Protein change: p.Cys344Tyr; replaces cysteine 344 with tyrosine.
Molecular consequence: missense variant. On other transcripts: non-coding transcript variant (2), intron variant (15).
Genome position (GRCh38, 1-based): chr5:112,819,063, G>A. VCF-style: chr5-112819063-G-A. GRCh37 (hg19) VCF-style: chr5-112154760-G-A.
Other names: c.1031G>A, p.Cys344Tyr (NM_001127510.3, NM_001354895.2, NM_001354896.2 and 4 more transcripts); c.977G>A, p.Cys326Tyr (NM_001127511.3); c.1061G>A, p.Cys354Tyr (NM_001354897.2, NM_001407446.1); c.956G>A, p.Cys319Tyr (NM_001354898.2, NM_001407451.1); c.947G>A, p.Cys316Tyr (NM_001354899.2, NM_001407452.1); c.854G>A, p.Cys285Tyr (NM_001354900.2, NM_001354901.2, NM_001407453.1); c.182G>A, p.Cys61Tyr (NM_001354906.2, NM_001407470.1); c.85-206G>A (NM_001407472.1, NM_001407471.1); and 5 more; short protein forms C285Y, C316Y, C319Y, C326Y, C344Y, C354Y, C61Y.
Identifiers: ClinVar variation 3075519 (VCV003075519.1), dbSNP rs786201840, ClinGen allele CA16023569.